The following is an entry in ClinVar:

ClinVar aggregate classification (germline): Pathogenic (1 of 4 stars; one submission).

Conditions:
Polycystic kidney disease, adult type (PKD1). Also called: Polycystic Kidney, Autosomal Dominant; POLYCYSTIC KIDNEY DISEASE, ADULT, TYPE I; Polycystic Kidney Disease 1, Autosomal Dominant; Polycystic kidney disease 1; Polycystic kidney disease 1, severe; POLYCYSTIC KIDNEY DISEASE 1 WITH OR WITHOUT POLYCYSTIC LIVER DISEASE. Identifiers: MedGen C3149841, MONDO:0008263, OMIM 173900.

Submission:

Women's Health and Genetics/Laboratory Corporation of America, LabCorp
Classification: Pathogenic for Polycystic kidney disease, adult type. Last evaluated: 2025-09-03. Review status: criteria provided, single submitter. Criteria: LabCorp Variant Classification Summary - May 2015. Collection method: clinical testing. Allele origin: germline.
Comment: Variant summary: PKD1 c.2613delG (p.Asn872MetfsX26) results in a premature termination codon, predicted to cause absence of the protein due to nonsense mediated decay, which is a commonly known mechanism for disease. The variant was absent in 240248 control chromosomes (gnomAD). To our knowledge, no occurrence of c.2613delG in individuals affected with PKD1-related conditions and no experimental evidence demonstrating its impact on protein function have been reported. No submitters have cited clinical-significance assessments for this variant to ClinVar. Based on the evidence outlined above, the variant was classified as pathogenic.

NM_001009944.3(PKD1):c.2613del (p.Asn872fs)

Gene: PKD1 (polycystin 1, transient receptor potential channel interacting; minus strand). Cytogenetic location: 16p13.3.
Variant type: Deletion.
Coding change: c.2613del on transcript NM_001009944.3 (MANE Select); coding-DNA position 2613, one base deleted (G; older notation c.2613delG).
Protein change: p.Asn872fs; shifts the reading frame from asparagine 872.
Molecular consequence: frameshift variant.
Genome position (GRCh38, 1-based): chr16:2,114,410, C deleted on the plus strand (G on the coding strand, the reverse complement: PKD1 is on the minus strand). VCF-style (leftmost placement, unchanged base first): chr16-2114409-TC-T. GRCh37 (hg19) VCF-style: chr16-2164410-TC-T.
Other names: c.2613del, p.Asn872fs (NM_000296.4); c.2613delG (NM_001009944.3); short protein forms N872fs.
Identifiers: ClinVar variation 4535863 (VCV004535863.1).